The following is an entry in ClinVar:

NM_000292.3(PHKA2):c.3283-1G>C

Gene: PHKA2 (phosphorylase kinase regulatory subunit alpha 2; minus strand). Cytogenetic location: Xp22.13.
Variant type: single nucleotide variant.
Coding change: c.3283-1G>C on transcript NM_000292.3 (MANE Select); the canonical splice acceptor site of the intron before coding-DNA position 3283, G replaced by C.
Molecular consequence: splice acceptor variant.
Genome position (GRCh38, 1-based): chrX:18,895,192, C>G on the plus strand (G>C on the coding strand, the complement: PHKA2 is on the minus strand). VCF-style: chrX-18895192-C-G. GRCh37 (hg19) VCF-style: chrX-18913310-C-G.
Identifiers: ClinVar variation 940531 (VCV000940531.7), dbSNP rs2047516641, ClinGen allele CA412377031.

ClinVar aggregate classification (germline): Likely pathogenic (1 of 4 stars; one submission).

Conditions:
Glycogen storage disease IXa1. Also called: GLYCOGEN STORAGE DISEASE VIII; GSD VIII; Glycogen storage disease 8; LIVER GLYCOGENOSIS, X-LINKED, TYPE I. Identifiers: Orphanet 264580, MedGen C3694531, MONDO:0010598, OMIM 306000.

Submission:

Labcorp Genetics (formerly Invitae), Labcorp
Classification: Likely pathogenic for Glycogen storage disease IXa1. Last evaluated: 2020-11-10. Review status: criteria provided, single submitter. Criteria: Invitae Variant Classification Sherloc (09022015). Collection method: clinical testing. Allele origin: germline.
Comment: In summary, the currently available evidence indicates that the variant is pathogenic, but additional data are needed to prove that conclusively. Therefore, this variant has been classified as Likely Pathogenic. Donor and acceptor splice site variants typically lead to a loss of protein function (PMID: 16199547), and loss-of-function variants in PHKA2 are known to be pathogenic (PMID: 7711737, 10330341). Algorithms developed to predict the effect of sequence changes on RNA splicing suggest that this variant may disrupt the consensus splice site, but this prediction has not been confirmed by published transcriptional studies. This variant has not been reported in the literature in individuals with PHKA2-related conditions. This variant is not present in population databases (ExAC no frequency). This sequence change affects an acceptor splice site in intron 30 of the PHKA2 gene. It is expected to disrupt RNA splicing and likely results in an absent or disrupted protein product.

Literature cited by the submitters: PubMed 16199547; PubMed 7711737; PubMed 10330341.